The following is an entry in ClinVar:

ClinVar aggregate classification (germline): Conflicting classifications of pathogenicity. Review status: criteria provided, conflicting classifications (1 of 4 stars). 3 submissions from 2 submitters: Uncertain significance (2); Benign (1). Last evaluated 2025-09-02.

Conditions:
Distal arthrogryposis type 2B1 (DA2B1). Also called: Arthrogryposis multiplex congenita distal type II with craniofacial abnormalities. Identifiers: Orphanet 1147, MedGen C5193014, MONDO:0020820, OMIM 601680.
Freeman-Sheldon syndrome (DA2A). Also called: CRANIOCARPOTARSAL DYSPLASIA; CRANIOCARPOTARSAL DYSTROPHY; WHISTLING FACE-WINDMILL VANE HAND SYNDROME; Arthrogryposis, distal, type 2A (Freeman-Sheldon). Identifiers: Orphanet 2053, MedGen C0265224, MONDO:0008675, OMIM 193700.

Allele frequency attached by ClinVar (database versions not stated): TOPMed 0.00001; ExAC 0.00002; gnomAD 0.00002; gnomAD exomes 0.00002 and 0.00011; 1000 Genomes Project 30x 0.00016; 1000 Genomes Project 0.00020.
gnomAD v4.1: 158 of 1,614,154 alleles (0.0098%); highest among the groups gnomAD compares: East Asian, 0.35%; 2 homozygotes.

Submissions (3):

Labcorp Genetics (formerly Invitae), Labcorp
Classification: Uncertain significance. Last evaluated: 2025-09-02. Review status: criteria provided, single submitter. Criteria: Invitae Variant Classification Sherloc (09022015). Collection method: clinical testing. Allele origin: germline.
Comment: This sequence change replaces methionine, which is neutral and non-polar, with valine, which is neutral and non-polar, at codon 7 of the MYH3 protein (p.Met7Val). This variant is present in population databases (rs191571748, gnomAD 0.03%). This variant has not been reported in the literature in individuals affected with MYH3-related conditions. ClinVar contains an entry for this variant (Variation ID: 321775). Invitae Evidence Modeling of protein sequence and biophysical properties (such as structural, functional, and spatial information, amino acid conservation, physicochemical variation, residue mobility, and thermodynamic stability) indicates that this missense variant is not expected to disrupt MYH3 protein function with a negative predictive value of 95%. In summary, the available evidence is currently insufficient to determine the role of this variant in disease. Therefore, it has been classified as a Variant of Uncertain Significance.

Illumina Laboratory Services, Illumina
Classification: Uncertain significance for Distal arthrogryposis type 2B1. Last evaluated: 2018-01-13. Review status: criteria provided, single submitter. Criteria: ICSL Variant Classification Criteria 13 December 2019. Collection method: clinical testing. Allele origin: germline.

Illumina Laboratory Services, Illumina
Classification: Benign for Freeman-Sheldon syndrome. Last evaluated: 2018-01-13. Review status: criteria provided, single submitter. Criteria: ICSL Variant Classification Criteria 13 December 2019. Collection method: clinical testing. Allele origin: germline.
Comment: This variant was observed in the ICSL laboratory as part of a predisposition screen in an ostensibly healthy population. It had not been previously curated by ICSL or reported in the Human Gene Mutation Database (HGMD: prior to June 1st, 2018), and was therefore a candidate for classification through an automated scoring system. Utilizing variant allele frequency, disease prevalence and penetrance estimates, and inheritance mode, an automated score was calculated to assess if this variant is too frequent to cause the disease. Based on the score and internal cut-off values, a variant classified as benign is not then subjected to further curation. The score for this variant resulted in a classification of benign for this disease.

NM_002470.4(MYH3):c.19A>G (p.Met7Val)

Gene: MYH3 (myosin heavy chain 3; minus strand). Cytogenetic location: 17p13.1.
Variant type: single nucleotide variant.
Coding change: c.19A>G on transcript NM_002470.4 (MANE Select); coding-DNA position 19, A replaced by G.
Protein change: p.Met7Val; replaces methionine 7 with valine.
Molecular consequence: missense variant.
Genome position (GRCh38, 1-based): chr17:10,655,046, T>C on the plus strand (A>G on the coding strand, the complement: MYH3 is on the minus strand). VCF-style: chr17-10655046-T-C. GRCh37 (hg19) VCF-style: chr17-10558363-T-C.
Other names: short protein forms M7V.
Identifiers: ClinVar variation 321775 (VCV000321775.10), dbSNP rs191571748, ClinGen allele CA8393428.